The following is an entry in ClinVar:

ClinVar aggregate classification (germline): Benign/Likely benign. Review status: criteria provided, multiple submitters, no conflicts (2 of 4 stars). 11 submissions from 11 submitters: Benign (5); Likely benign (6). Last evaluated 2026-04-01.

Conditions:
Congenital myasthenic syndrome 8. Also called: MYASTHENIC SYNDROME, CONGENITAL, DUE TO AGRIN DEFICIENCY; Myasthenic syndrome, congenital, 8, with pre- and postsynaptic defects. Identifiers: Orphanet 590, MedGen C3808739, MONDO:0014052, OMIM 615120.

Allele frequency attached by ClinVar (database versions not stated): 1000 Genomes Project 0.00240; 1000 Genomes Project 30x 0.00281; gnomAD 0.00469 and 0.00517; ExAC 0.00488; gnomAD exomes 0.00493 and 0.00670; ESP Exome Variant Server 0.00500; TOPMed 0.00574.

Submissions (11):

CeGaT Center for Human Genetics Tuebingen
Classification: Likely benign. Last evaluated: 2026-04-01. Review status: criteria provided, single submitter. Criteria: CeGaT Center For Human Genetics Tuebingen Variant Classification Criteria Version 2. Collection method: clinical testing. Allele origin: germline. Affected: yes. Observed: 10 variant alleles.
Comment: AGRN: BS2

Labcorp Genetics (formerly Invitae), Labcorp
Classification: Benign for Congenital myasthenic syndrome 8. Last evaluated: 2026-02-01. Review status: criteria provided, single submitter. Criteria: Invitae Variant Classification Sherloc (09022015). Collection method: clinical testing. Allele origin: germline.

Mayo Clinic Laboratories, Mayo Clinic
Classification: Benign. Last evaluated: 2023-12-06. Review status: criteria provided, single submitter. Criteria: ACMG Guidelines, 2015. Collection method: clinical testing. Allele origin: germline. Observed: 4 variant alleles.
Comment: BS1, BS2

GeneDx
Classification: Benign. Last evaluated: 2019-08-30. Review status: criteria provided, single submitter. Criteria: GeneDx Variant Classification Process June 2021. Collection method: clinical testing. Allele origin: germline. Affected: yes.
Comment: This variant is associated with the following publications: (PMID: 27378695)

SIB Swiss Institute of Bioinformatics
Classification: Benign for Congenital myasthenic syndrome 8. Last evaluated: 2018-10-15. Review status: criteria provided, single submitter. Criteria: ACMG Guidelines, 2015. Collection method: curation. Allele origin: germline.
Comment: This variant is interpreted as Benign, for Myasthenic syndrome, congenital, 8, autosomal recessive. The following ACMG Tag(s) were applied: BS1 => Allele frequency is greater than expected for disorder. BS2 => Observed in a healthy adult individual for a recessive (homozygous), dominant (heterozygous), or X-linked (hemizygous) disorder, with full penetrance expected at an early age.

Athena Diagnostics
Classification: Benign. Last evaluated: 2018-07-20. Review status: criteria provided, single submitter. Criteria: Athena Diagnostics Criteria. Collection method: clinical testing. Allele origin: germline.

Genetic Services Laboratory, University of Chicago
Classification: Likely benign. Last evaluated: 2017-02-02. Review status: criteria provided, single submitter. Criteria: ACMG Guidelines, 2015. Collection method: clinical testing. Allele origin: germline. Affected: no.

Center for Pediatric Genomic Medicine, Children's Mercy Hospital and Clinics
Classification: Likely benign. Last evaluated: 2016-12-30. Review status: criteria provided, single submitter. Criteria: ACMG Guidelines, 2015. Collection method: clinical testing. Allele origin: germline.
ClinVar note: Converted during submission from Likely Benign to Likely benign.

Eurofins Ntd Llc (ga)
Classification: Likely benign. Last evaluated: 2015-09-14. Review status: criteria provided, single submitter. Criteria: EGL Classification Definitions 2015. Collection method: clinical testing. Allele origin: germline. Observed: 1 variant allele, 1 heterozygote.

Breakthrough Genomics
Classification: Likely benign. Review status: criteria provided, single submitter. Criteria: ACMG Guidelines, 2015. Collection method: not provided. Allele origin: germline. Inheritance: Autosomal recessive inheritance. Affected: yes.

PreventionGenetics, part of Exact Sciences
Classification: Likely benign. Review status: criteria provided, single submitter. Criteria: ACMG Guidelines, 2015. Collection method: clinical testing. Allele origin: germline.

NM_198576.4(AGRN):c.1123G>T (p.Ala375Ser)

Gene: AGRN (agrin; plus strand). Cytogenetic location: 1p36.33.
Variant type: single nucleotide variant.
Coding change: c.1123G>T on transcript NM_198576.4 (MANE Select); coding-DNA position 1123, G replaced by T.
Protein change: p.Ala375Ser; replaces alanine 375 with serine.
Molecular consequence: missense variant.
Genome position (GRCh38, 1-based): chr1:1,041,648, G>T. VCF-style: chr1-1041648-G-T. GRCh37 (hg19) VCF-style: chr1-977028-G-T.
Other names: p.Ala375Ser; c.1123G>T (LRG_198t1); c.1123G>T, p.Ala375Ser (NM_001305275.2); c.808G>T, p.Ala270Ser (NM_001364727.2); short protein forms A375S, A270S.
Identifiers: ClinVar variation 263158 (VCV000263158.50), dbSNP rs138031468, ClinGen allele CA508015.